The following is an entry in ClinVar:

ClinVar aggregate classification (germline): Uncertain significance (1 of 4 stars; one submission).

Allele frequency attached by ClinVar (database versions not stated): ExAC 0.00001; gnomAD exomes 0.00001 and 0.00002; gnomAD 0.00002; TOPMed 0.00002.
gnomAD v4.1: 27 of 1,613,126 alleles (0.0017%); highest among the groups gnomAD compares: Non-Finnish European, 0.0022%; no homozygotes.

Submission:

Labcorp Genetics (formerly Invitae), Labcorp
Classification: Uncertain significance. Last evaluated: 2021-11-10. Review status: criteria provided, single submitter. Criteria: Invitae Variant Classification Sherloc (09022015). Collection method: clinical testing. Allele origin: germline.
Comment: In summary, the available evidence is currently insufficient to determine the role of this variant in disease. Therefore, it has been classified as a Variant of Uncertain Significance. Advanced modeling of protein sequence and biophysical properties (such as structural, functional, and spatial information, amino acid conservation, physicochemical variation, residue mobility, and thermodynamic stability) performed at Invitae indicates that this missense variant is not expected to disrupt ABCA1 protein function. This variant has not been reported in the literature in individuals affected with ABCA1-related conditions. This variant is present in population databases (rs779114859, gnomAD 0.0009%). This sequence change replaces threonine, which is neutral and polar, with isoleucine, which is neutral and non-polar, at codon 1148 of the ABCA1 protein (p.Thr1148Ile).

NM_005502.4(ABCA1):c.3443C>T (p.Thr1148Ile)

Gene: ABCA1 (ATP binding cassette subfamily A member 1; minus strand). Cytogenetic location: 9q31.1.
Variant type: single nucleotide variant.
Coding change: c.3443C>T on transcript NM_005502.4 (MANE Select); coding-DNA position 3443, C replaced by T.
Protein change: p.Thr1148Ile; replaces threonine 1148 with isoleucine.
Molecular consequence: missense variant.
Genome position (GRCh38, 1-based): chr9:104,818,682, G>A on the plus strand (C>T on the coding strand, the complement: ABCA1 is on the minus strand). VCF-style: chr9-104818682-G-A. GRCh37 (hg19) VCF-style: chr9-107580963-G-A.
Other names: short protein forms T1148I.
Identifiers: ClinVar variation 1362076 (VCV001362076.6), dbSNP rs779114859, ClinGen allele CA5168447.